The following is an entry in ClinVar:

ClinVar aggregate classification (germline): Uncertain significance (1 of 4 stars; one submission).

Conditions:
KBG syndrome (KBGS). Also called: ANKRD11-Related KBG Syndrome. Identifiers: Orphanet 2332, MedGen C0220687, MONDO:0007846, OMIM 148050.

gnomAD v4.1: 36 of 1,567,474 alleles (0.0023%); highest among the groups gnomAD compares: Admixed American, 0.0073%; no homozygotes.

Submission:

Labcorp Genetics (formerly Invitae), Labcorp
Classification: Uncertain significance for KBG syndrome. Last evaluated: 2024-10-22. Review status: criteria provided, single submitter. Criteria: Invitae Variant Classification Sherloc (09022015). Collection method: clinical testing. Allele origin: germline.
Comment: This sequence change replaces proline, which is neutral and non-polar, with leucine, which is neutral and non-polar, at codon 2059 of the ANKRD11 protein (p.Pro2059Leu). This variant is present in population databases (rs117997391, gnomAD 0.007%). This variant has not been reported in the literature in individuals affected with ANKRD11-related conditions. Invitae Evidence Modeling of protein sequence and biophysical properties (such as structural, functional, and spatial information, amino acid conservation, physicochemical variation, residue mobility, and thermodynamic stability) indicates that this missense variant is not expected to disrupt ANKRD11 protein function with a negative predictive value of 95%. In summary, the available evidence is currently insufficient to determine the role of this variant in disease. Therefore, it has been classified as a Variant of Uncertain Significance.

NM_013275.6(ANKRD11):c.6176C>T (p.Pro2059Leu)

Gene: ANKRD11 (ankyrin repeat domain 11; minus strand). Cytogenetic location: 16q24.3.
Variant type: single nucleotide variant.
Coding change: c.6176C>T on transcript NM_013275.6 (MANE Select); coding-DNA position 6176, C replaced by T.
Protein change: p.Pro2059Leu; replaces proline 2059 with leucine.
Molecular consequence: missense variant.
Genome position (GRCh38, 1-based): chr16:89,280,366, G>A on the plus strand (C>T on the coding strand, the complement: ANKRD11 is on the minus strand). VCF-style: chr16-89280366-G-A. GRCh37 (hg19) VCF-style: chr16-89346774-G-A.
Other names: c.6176C>T, p.Pro2059Leu (NM_001256182.2, NM_001256183.2); short protein forms P2059L.
Identifiers: ClinVar variation 3712730 (VCV003712730.2).
Genomic context (GRCh38, chr16:89,280,366, plus strand): 5'-ACGTCCAGCGGGGCTTCCGGAAGTGACTTGCAGTTGCTGAAGAAGGACTCCAGCCCGGAG[G>A]GAGGGGCGTAGGGAGCCGCCTCTGAGGTGGAGATGGCGGCGGGGACGGCGTCCACTCCGT-3'
Protein context (NP_037407.4, residues 2049-2069): STSEAAPYAP[Pro2059Leu]SGLESFFSNC